The following is an entry in ClinVar:

ClinVar aggregate classification (germline): conflicting data from submitters (0 of 4 stars; one submission).

Submission:

ISCA site 8
Classification: conflicting data from submitters. Last evaluated: 2010-10-20. Review status: no assertion criteria provided. Collection method: clinical testing. Allele origin: unknown, de novo. Affected: yes. Observed: 2 variant alleles.
Comment: Uncertain significance(1), Benign (1)

Copy number variation identified through the course of routine clinical cytogenomic testing in postnatal populations, with clinical assertions as classified by the original submitter.

GRCh38/hg38 11p15.4(chr11:2883714-2883812)x3

Gene: CDKN1C (cyclin dependent kinase inhibitor 1C; minus strand). Cytogenetic location: 11p15.4.
Variant type: copy number gain.
Change: copy number 3 (three copies instead of two) of chr11:2,883,714-2,883,812 (0.1 kb, GRCh38 coordinates, 1-based), cytogenetic band 11p15.4.
Identifiers: ClinVar variation 146916 (VCV000146916.2).